The following is an entry in ClinVar:

ClinVar aggregate classification (germline): Benign (0 of 4 stars; one submission).

Conditions:
DMWD-related disorder. Also called: DMWD-related condition.

Allele frequency attached by ClinVar (database versions not stated): ESP Exome Variant Server 0.01800; TOPMed 0.01875; 1000 Genomes Project 0.02077; 1000 Genomes Project 30x 0.02124.
gnomAD v4.1: 4,909 of 1,613,610 alleles (0.3%); highest among the groups gnomAD compares: African/African-American, 5.8%; 135 homozygotes.

Submission:

PreventionGenetics, part of Exact Sciences
Classification: Benign for DMWD-related condition. Last evaluated: 2019-12-06. Review status: no assertion criteria provided. Collection method: clinical testing. Allele origin: germline.
Comment: This variant is classified as benign based on ACMG/AMP sequence variant interpretation guidelines (Richards et al. 2015 PMID: 25741868, with internal and published modifications).

NM_004943.2(DMWD):c.882C>G (p.Pro294=)

Gene: DMWD (DM1 locus, WD repeat containing; minus strand). Cytogenetic location: 19q13.32.
Variant type: single nucleotide variant.
Coding change: c.882C>G on transcript NM_004943.2 (MANE Select); coding-DNA position 882, C replaced by G.
Protein change: p.Pro294=; no amino-acid change (proline 294 retained).
Molecular consequence: synonymous variant.
Genome position (GRCh38, 1-based): chr19:45,786,614, G>C on the plus strand (C>G on the coding strand, the complement: DMWD is on the minus strand). VCF-style: chr19-45786614-G-C. GRCh37 (hg19) VCF-style: chr19-46289872-G-C.
Identifiers: ClinVar variation 3037576 (VCV003037576.2), dbSNP rs61744436, ClinGen allele CA9522206.
Genomic context (GRCh38, chr19:45,786,614, plus strand): 5'-GTCGAAGTGGAAGACGCGCAGGCAGCCATCCTGGCTCACACAGGCCAGGTGCCGGCCATC[G>C]GGCGAGAAGGCGAACTCGTTGAGGGGCCCCTCACCCACCGCCCACTTGGCCAGCGGGTTG-3'
Protein context (NP_004934.1, residues 284-304): EGPLNEFAFS[Pro294=]DGRHLACVSQ